The following is an entry in ClinVar:

ClinVar aggregate classification (germline): Uncertain significance (1 of 4 stars; one submission).

Allele frequency attached by ClinVar (database versions not stated): TOPMed 0.00001; gnomAD 0.00002; gnomAD exomes 0.00002; ExAC 0.00004; 1000 Genomes Project 30x 0.00031.
gnomAD v4.1: 31 of 1,601,116 alleles (0.0019%); highest among the groups gnomAD compares: South Asian, 0.011%; no homozygotes.

Submission:

Women's Health and Genetics/Laboratory Corporation of America, LabCorp
Classification: Uncertain significance. Last evaluated: 2023-12-14. Review status: criteria provided, single submitter. Criteria: LabCorp Variant Classification Summary - May 2015. Collection method: clinical testing. Allele origin: germline.
Comment: Variant summary: CCDC8 c.572C>T (p.Ala191Val) results in a non-conservative amino acid change in the encoded protein sequence. Three of five in-silico tools predict a damaging effect of the variant on protein function. The variant allele was found at a frequency of 4.6e-05 in 236992 control chromosomes. This frequency is not significantly higher than estimated for a pathogenic variant in CCDC8 causing Three M Syndrome 3 (4.6e-05 vs 0.0011), allowing no conclusion about variant significance. To our knowledge, no occurrence of c.572C>T in individuals affected with Three M Syndrome 3 and no experimental evidence demonstrating its impact on protein function have been reported. No submitters have cited clinical-significance assessments for this variant to ClinVar after 2014. Based on the evidence outlined above, the variant was classified as uncertain significance.

NM_032040.5(CCDC8):c.572C>T (p.Ala191Val)

Gene: CCDC8 (coiled-coil domain containing 8; minus strand). Cytogenetic location: 19q13.32.
Variant type: single nucleotide variant.
Coding change: c.572C>T on transcript NM_032040.5 (MANE Select); coding-DNA position 572, C replaced by T.
Protein change: p.Ala191Val; replaces alanine 191 with valine.
Molecular consequence: missense variant.
Genome position (GRCh38, 1-based): chr19:46,412,239, G>A on the plus strand (C>T on the coding strand, the complement: CCDC8 is on the minus strand). VCF-style: chr19-46412239-G-A. GRCh37 (hg19) VCF-style: chr19-46915496-G-A.
Other names: short protein forms A191V.
Identifiers: ClinVar variation 2691704 (VCV002691704.1), dbSNP rs759782532, ClinGen allele CA9528688.
Genomic context (GRCh38, chr19:46,412,239, plus strand): 5'-TTCACCCTCCGCTTCAGCTTCCCCCAGGACACCTGGCTGACATACTCCCGCCACCTGTCC[G>A]CTTTGGACAGCTGAGGCCCCAGGTTGTCCTCAAACATGGGCACTGGCAGGTTGACGCGGC-3'
Protein context (NP_114429.2, residues 181-201): EDNLGPQLSK[Ala191Val]DRWREYVSQV